The following is an entry in ClinVar:

NM_144631.6(ZNF513):c.691C>T (p.Pro231Ser)

Gene: ZNF513 (zinc finger protein 513; minus strand). Cytogenetic location: 2p23.3.
Variant type: single nucleotide variant.
Coding change: c.691C>T on transcript NM_144631.6 (MANE Select); coding-DNA position 691, C replaced by T.
Protein change: p.Pro231Ser; replaces proline 231 with serine.
Molecular consequence: missense variant.
Genome position (GRCh38, 1-based): chr2:27,378,575, G>A on the plus strand (C>T on the coding strand, the complement: ZNF513 is on the minus strand). VCF-style: chr2-27378575-G-A. GRCh37 (hg19) VCF-style: chr2-27601442-G-A.
Other names: c.505C>T, p.Pro169Ser (NM_001201459.2); short protein forms P231S, P169S.
Identifiers: ClinVar variation 2013659 (VCV002013659.4), dbSNP rs1683463270, ClinGen allele CA346217750.

ClinVar aggregate classification (germline): Uncertain significance (1 of 4 stars; one submission).

Submission:

Labcorp Genetics (formerly Invitae), Labcorp
Classification: Uncertain significance. Last evaluated: 2025-04-28. Review status: criteria provided, single submitter. Criteria: Invitae Variant Classification Sherloc (09022015). Collection method: clinical testing. Allele origin: germline.
Comment: This sequence change replaces proline, which is neutral and non-polar, with serine, which is neutral and polar, at codon 231 of the ZNF513 protein (p.Pro231Ser). This variant is not present in population databases (gnomAD no frequency). This variant has not been reported in the literature in individuals affected with ZNF513-related conditions. ClinVar contains an entry for this variant (Variation ID: 2013659). An algorithm developed to predict the effect of missense changes on protein structure and function (PolyPhen-2) suggests that this variant is likely to be disruptive. In summary, the available evidence is currently insufficient to determine the role of this variant in disease. Therefore, it has been classified as a Variant of Uncertain Significance.